The following is an entry in ClinVar:

NC_000023.10:g.(?_22129565)_(22245748_?)dup

Gene: PHEX (phosphate regulating endopeptidase X-linked; plus strand). Cytogenetic location: Xp22.11.
Variant type: Duplication.
Identifiers: ClinVar variation 3246088 (VCV003246088.1).

ClinVar aggregate classification (germline): Likely pathogenic (1 of 4 stars; one submission).

Submission:

Labcorp Genetics (formerly Invitae), Labcorp
Classification: Likely pathogenic. Last evaluated: 2023-09-26. Review status: criteria provided, single submitter. Criteria: Invitae Variant Classification Sherloc (09022015). Collection method: clinical testing. Allele origin: unknown.
Comment: This variant results in a copy number gain of the genomic region encompassing exon(s) 10-20 of the PHEX gene. While the exact position of this variant cannot be determined from the data, sub-genic copy number gains are generally in tandem (PMID: 25640679). This variant is predicted to be out-of-frame, and may result in an absent or disrupted protein product. Loss-of-function variants in PHEX are known to be pathogenic (PMID: 9097956, 9106524, 19219621). This variant has not been reported in the literature in individuals affected with PHEX-related conditions. In summary, the currently available evidence indicates that the variant is pathogenic, but additional data are needed to prove that conclusively. Therefore, this variant has been classified as Likely Pathogenic.

Literature cited by the submitters: PubMed 25640679; PubMed 9097956; PubMed 9106524; PubMed 19219621.